The following is an entry in ClinVar:

ClinVar aggregate classification (germline): Uncertain significance (1 of 4 stars; one submission).

Conditions:
Hereditary cancer-predisposing syndrome. Also called: Neoplastic Syndromes, Hereditary; Hereditary Cancer Syndrome; Hereditary neoplastic syndrome; Tumor predisposition. Identifiers: Orphanet 140162, MedGen C0027672, MeSH D009386, MONDO:0015356.

Submission:

Ambry Genetics
Classification: Uncertain significance for Hereditary cancer-predisposing syndrome. Last evaluated: 2025-08-28. Review status: criteria provided, single submitter. Criteria: Ambry Variant Classification Scheme 2023. Collection method: clinical testing. Allele origin: germline.
Comment: The p.W231R variant (also known as c.691T>C), located in coding exon 3 of the XRCC2 gene, results from a T to C substitution at nucleotide position 691. The tryptophan at codon 231 is replaced by arginine, an amino acid with dissimilar properties. This amino acid position is conserved. In addition, the in silico prediction for this alteration is inconclusive. Since supporting evidence is limited at this time, the clinical significance of this alteration remains unclear.

NM_005431.2(XRCC2):c.691T>C (p.Trp231Arg)

Gene: XRCC2 (X-ray repair cross complementing 2; minus strand). Cytogenetic location: 7q36.1.
Variant type: single nucleotide variant.
Coding change: c.691T>C on transcript NM_005431.2 (MANE Select); coding-DNA position 691, T replaced by C.
Protein change: p.Trp231Arg; replaces tryptophan 231 with arginine.
Molecular consequence: missense variant.
Genome position (GRCh38, 1-based): chr7:152,648,794, A>G on the plus strand (T>C on the coding strand, the complement: XRCC2 is on the minus strand). VCF-style: chr7-152648794-A-G. GRCh37 (hg19) VCF-style: chr7-152345879-A-G.
Other names: short protein forms W231R.
Identifiers: ClinVar variation 2562731 (VCV002562731.3), dbSNP rs2485880550, ClinGen allele CA370198160.